The following is an entry in ClinVar:

NM_003718.5(CDK13):c.2702+4A>G

Gene: CDK13 (cyclin dependent kinase 13; plus strand). Cytogenetic location: 7p14.1.
Variant type: single nucleotide variant.
Coding change: c.2702+4A>G on transcript NM_003718.5 (MANE Select); 4 bases into the intron after coding-DNA position 2702, A replaced by G.
Molecular consequence: intron variant.
Genome position (GRCh38, 1-based): chr7:40,062,931, A>G. VCF-style: chr7-40062931-A-G. GRCh37 (hg19) VCF-style: chr7-40102530-A-G.
Other names: c.2702+4A>G (NM_031267.3).
Identifiers: ClinVar variation 2102619 (VCV002102619.4), dbSNP rs752369603, ClinGen allele CA4228762.

ClinVar aggregate classification (germline): Uncertain significance (1 of 4 stars; one submission).

Allele frequency attached by ClinVar (database versions not stated): gnomAD exomes 0.00001; TOPMed below 0.00001; ExAC 0.00001.
gnomAD v4.1: 4 of 1,610,576 alleles (0.00025%); highest among the groups gnomAD compares: East Asian, 0.0089%; no homozygotes.

Submission:

Labcorp Genetics (formerly Invitae), Labcorp
Classification: Uncertain significance. Last evaluated: 2023-03-30. Review status: criteria provided, single submitter. Criteria: Invitae Variant Classification Sherloc (09022015). Collection method: clinical testing. Allele origin: germline.
Comment: This sequence change falls in intron 8 of the CDK13 gene. It does not directly change the encoded amino acid sequence of the CDK13 protein. It affects a nucleotide within the consensus splice site. In summary, the available evidence is currently insufficient to determine the role of this variant in disease. Therefore, it has been classified as a Variant of Uncertain Significance. Variants that disrupt the consensus splice site are a relatively common cause of aberrant splicing (PMID: 17576681, 9536098). Algorithms developed to predict the effect of sequence changes on RNA splicing suggest that this variant may create or strengthen a splice site. ClinVar contains an entry for this variant (Variation ID: 2102619). This variant has not been reported in the literature in individuals affected with CDK13-related conditions. This variant is present in population databases (rs752369603, gnomAD 0.02%).

Literature cited by the submitters: PubMed 17576681; PubMed 9536098.